The following is an entry in ClinVar:

ClinVar aggregate classification (germline): Likely benign. Review status: criteria provided, multiple submitters, no conflicts (2 of 4 stars). 3 submissions from 3 submitters: Likely benign (3). Last evaluated 2025-09-17.

Conditions:
Charcot-Marie-Tooth disease type 4. Also called: Charcot-Marie-Tooth disease, type IV; Charcot-Marie-Tooth, Type 4. Identifiers: Orphanet 64749, MedGen C4082197, MONDO:0018995.
Inborn genetic diseases. Identifiers: MedGen C0950123, MeSH D030342.
MTMR2-related disorder. Also called: MTMR2-related condition.

Allele frequency attached by ClinVar (database versions not stated): gnomAD exomes 0.00001; ExAC 0.00002; TOPMed 0.00006; gnomAD 0.00011.
gnomAD v4.1: 33 of 1,613,874 alleles (0.002%); highest among the groups gnomAD compares: African/African-American, 0.043%; no homozygotes.

Submissions (3):

PreventionGenetics, part of Exact Sciences
Classification: Likely benign for MTMR2-related condition. Last evaluated: 2025-09-17. Review status: criteria provided, single submitter. Criteria: ACMG Guidelines, 2015. Collection method: clinical testing. Allele origin: germline.
Comment: This variant is classified as likely benign based on ACMG/AMP sequence variant interpretation guidelines (Richards et al. 2015 PMID: 25741868, with internal and published modifications).

Labcorp Genetics (formerly Invitae), Labcorp
Classification: Likely benign for Charcot-Marie-Tooth disease type 4. Last evaluated: 2023-05-31. Review status: criteria provided, single submitter. Criteria: Invitae Variant Classification Sherloc (09022015). Collection method: clinical testing. Allele origin: germline.

Ambry Genetics
Classification: Likely benign for Inborn genetic diseases. Last evaluated: 2019-07-11. Review status: criteria provided, single submitter. Criteria: Ambry Variant Classification Scheme 2023. Collection method: clinical testing. Allele origin: germline.

NM_016156.6(MTMR2):c.1303T>C (p.Leu435=)

Gene: MTMR2 (myotubularin related protein 2; minus strand). Cytogenetic location: 11q21.
Variant type: single nucleotide variant.
Coding change: c.1303T>C on transcript NM_016156.6 (MANE Select); coding-DNA position 1303, T replaced by C.
Protein change: p.Leu435=; no amino-acid change (leucine 435 retained).
Molecular consequence: synonymous variant.
Genome position (GRCh38, 1-based): chr11:95,845,036, A>G on the plus strand (T>C on the coding strand, the complement: MTMR2 is on the minus strand). VCF-style: chr11-95845036-A-G. GRCh37 (hg19) VCF-style: chr11-95578200-A-G.
Other names: c.1087T>C, p.Leu363= (NM_001243571.2, NM_201278.3, NM_201281.3).
Identifiers: ClinVar variation 543512 (VCV000543512.11), dbSNP rs767737380, ClinGen allele CA6240033.
Genomic context (GRCh38, chr11:95,845,036, plus strand): 5'-TTAGCCATTCTTTCTCCACAAGGACTTCAAATCCTCGGATGGTTCGATAGTATCCATCCA[A>G]CATGAGCATGGCAAGGGAAGTGAGCTGAGCTGTGCGATCCCAACCATCACTGCAATGCAC-3'
Protein context (NP_057240.3, residues 425-445): AQLTSLAMLM[Leu435=]DGYYRTIRGF